The following is an entry in ClinVar:

NM_000419.5(ITGA2B):c.1612G>T (p.Glu538Ter)

Gene: ITGA2B (integrin subunit alpha 2b; minus strand). Cytogenetic location: 17q21.31.
Variant type: single nucleotide variant.
Coding change: c.1612G>T on transcript NM_000419.5 (MANE Select); coding-DNA position 1612, G replaced by T.
Protein change: p.Glu538Ter; replaces glutamic acid 538 with a stop codon.
Molecular consequence: nonsense.
Genome position (GRCh38, 1-based): chr17:44,380,142, C>A on the plus strand (G>T on the coding strand, the complement: ITGA2B is on the minus strand). VCF-style: chr17-44380142-C-A. GRCh37 (hg19) VCF-style: chr17-42457510-C-A.
Other names: short protein forms E538*.
Identifiers: ClinVar variation 953055 (VCV000953055.4), dbSNP rs780837520, ClinGen allele CA399802424.

ClinVar aggregate classification (germline): Pathogenic. Review status: reviewed by expert panel (3 of 4 stars). 2 submissions from 2 submitters: Pathogenic (1). 1 of the submissions does not count toward it. Last evaluated 2020-09-06.

Conditions:
Glanzmann thrombasthenia 1 (GT1). Also called: BLEEDING DISORDER, PLATELET-TYPE, 2; GP IIb-IIIa COMPLEX DEFICIENCY; GLYCOPROTEIN COMPLEX IIb-IIIa DEFICIENCY; PLATELET FIBRINOGEN RECEPTOR DEFICIENCY. Identifiers: MedGen CN300358, MONDO:0031332, OMIM 273800.
Glanzmann thrombasthenia. Also called: THROMBASTHENIA OF GLANZMANN AND NAEGELI; Thrombasthenia; Glanzmann's thrombasthenia; PLATELET GLYCOPROTEIN IIb-IIIa DEFICIENCY. Identifiers: Orphanet 849, MedGen C0040015, MONDO:0100326.

Submissions (2):

ClinGen Platelet Disorders Variant Curation Expert Panel, ClinGen
Classification: Pathogenic for Glanzmann thrombasthenia. Last evaluated: 2020-09-06. Review status: reviewed by expert panel. Criteria: ClinGen Platelet ACMG Specifications v2. Collection method: curation. Allele origin: germline. Inheritance: Autosomal recessive inheritance.
Comment: The nonsense variant, c.1612G>T (p.Glu538Ter), has been reported in one compound heterozygous proband (PMID: 25539746), with a phenotype highly specific to GT, and is absent from population databases. This nonsense variant occurs in exon 17 and is predicted to result in NMD. In summary, this variant meets criteria to be classified as Pathogenic for GT. GT-specific criteria applied: PVS1, PM2_supporting, PP4_moderate.

ISTH-SSC Genomics in Thrombosis and Hemostasis, KU Leuven, Center for Molecular and Vascular Biology
Classification: Pathogenic for Glanzmann thrombasthenia 1. Review status: no assertion criteria provided. Collection method: research. Allele origin: germline. Affected: yes. Not counted in ClinVar's aggregate classification.
Comment: Submitted to GoldVariant by Jose María Bastida from Grupo Español de Alteraciones Plaquetarias Congénitas (GEAPC), Salamanca, Spain